The following is an entry in ClinVar:

NM_000159.4(GCDH):c.335-14C>T

Gene: GCDH (glutaryl-CoA dehydrogenase; plus strand). Cytogenetic location: 19p13.13.
Variant type: single nucleotide variant.
Coding change: c.335-14C>T on transcript NM_000159.4 (MANE Select); 14 bases into the intron before coding-DNA position 335, C replaced by T.
Molecular consequence: intron variant.
Genome position (GRCh38, 1-based): chr19:12,893,469, C>T. VCF-style: chr19-12893469-C-T. GRCh37 (hg19) VCF-style: chr19-13004283-C-T.
Other names: c.335-14C>T (NM_013976.5).
Identifiers: ClinVar variation 388893 (VCV000388893.9), dbSNP rs781650833, ClinGen allele CA9234369.

ClinVar aggregate classification (germline): Likely benign. Review status: criteria provided, multiple submitters, no conflicts (2 of 4 stars). 4 submissions from 4 submitters: Likely benign (4). Last evaluated 2026-01-31.

Conditions:
Glutaric aciduria, type 1. Also called: Glutaryl-CoA dehydrogenase deficiency; Glutaricacidemia Type 1; Glutaric acidemia type I; Glutaricaciduria, type I; Glutaric Acidemia Type 1; GA I. Identifiers: Orphanet 25, MedGen C0268595, MONDO:0009281, OMIM 231670.

Allele frequency attached by ClinVar (database versions not stated): gnomAD 0.00005; ExAC 0.00006; TOPMed 0.00006; gnomAD exomes 0.00007 and 0.00009.
gnomAD v4.1: 114 of 1,612,456 alleles (0.0071%); highest among the groups gnomAD compares: Middle Eastern, 0.049%; 2 homozygotes.

Submissions (4):

Labcorp Genetics (formerly Invitae), Labcorp
Classification: Likely benign for Glutaric aciduria, type 1. Last evaluated: 2026-01-31. Review status: criteria provided, single submitter. Criteria: Invitae Variant Classification Sherloc (09022015). Collection method: clinical testing. Allele origin: germline.

Blueprint Genetics
Classification: Likely benign. Last evaluated: 2024-09-19. Review status: criteria provided, single submitter. Criteria: ACMG Guidelines, 2015. Collection method: clinical testing. Allele origin: germline.

Centre for Mendelian Genomics, University Medical Centre Ljubljana
Classification: Likely benign for Glutaric aciduria, type 1. Last evaluated: 2019-02-13. Review status: criteria provided, single submitter. Criteria: ACMG Guidelines, 2015. Collection method: clinical testing. Allele origin: unknown. Affected: yes.
Comment: This variant was classified as: Likely benign. The following ACMG criteria were applied in classifying this variant: PM2,BP4,BP6.

GeneDx
Classification: Likely benign. Last evaluated: 2016-09-09. Review status: criteria provided, single submitter. Criteria: GeneDx Variant Classification (06012015). Collection method: clinical testing. Allele origin: germline. Affected: yes.
Comment: This variant is considered likely benign or benign based on one or more of the following criteria: it is a conservative change, it occurs at a poorly conserved position in the protein, it is predicted to be benign by multiple in silico algorithms, and/or has population frequency not consistent with disease.